The following is an entry in ClinVar:

ClinVar aggregate classification (germline): Uncertain significance (1 of 4 stars; one submission).

Submission:

Dasa
Classification: Uncertain significance. Last evaluated: 2025-02-17. Review status: criteria provided, single submitter. Criteria: DASA Assertion Criteria. Collection method: clinical testing. Allele origin: germline.
Comment: NM_017672.6(TRPM7):c.12del (p.Lys4Asnfs*4) is a frameshift variant in TRPM7 predicted to alter the reading frame and introduce a premature termination codon. Published studies describe this variant in association with related phenotype (PMID: 37188671; PMID: 35561741; PMID: 39099563). Also, this variant is absent from population databases. The currently available literature and clinical evidence are not sufficient to establish a definitive association between this variant and the reported condition. Therefore, this variant is classified as a variant of uncertain significance.

Literature cited by the submitters: PubMed 37188671; PubMed 35561741; PubMed 39099563.

NM_017672.6(TRPM7):c.12del (p.Lys4fs)

Genes: TRPM7 (transient receptor potential cation channel subfamily M member 7; minus strand), LOC128092252 (uncharacterized LOC128092252; minus strand). Cytogenetic location: 15q21.2.
Variant type: Deletion.
Coding change: c.12del on transcript NM_017672.6 (MANE Select); coding-DNA position 12, one base deleted (A; older notation c.12delA).
Protein change: p.Lys4fs; shifts the reading frame from lysine 4.
Molecular consequence: frameshift variant. On other transcripts: non-coding transcript variant (3).
Genome position (GRCh38, 1-based): chr15:50,663,038, T deleted on the plus strand (A on the coding strand, the reverse complement: TRPM7 is on the minus strand); the first of 3 consecutive T bases (chr15:50,663,038-50,663,040); deleting any one gives the same sequence. VCF-style (leftmost placement, unchanged base first): chr15-50663037-AT-A. GRCh37 (hg19) VCF-style: chr15-50955234-AT-A.
Other names: c.196del, p.Ile66fs (NM_001414947.1); c.12del, p.Lys4fs (NM_001301212.2); short protein forms I66fs, K4fs.
Identifiers: ClinVar variation 4883920 (VCV004883920.2).